The following is an entry in ClinVar:

ClinVar aggregate classification (germline): Likely benign (1 of 4 stars; one submission).

Allele frequency attached by ClinVar (database versions not stated): ESP Exome Variant Server 0.00265; 1000 Genomes Project 0.00379; 1000 Genomes Project 30x 0.00406; TOPMed 0.00409; gnomAD 0.00485; gnomAD exomes 0.00612; ExAC 0.00707.
gnomAD v4.1: 9,231 of 1,546,338 alleles (0.6%); highest among the groups gnomAD compares: South Asian, 0.79%; 38 homozygotes.

Submission:

CeGaT Center for Human Genetics Tuebingen
Classification: Likely benign. Last evaluated: 2026-07-01. Review status: criteria provided, single submitter. Criteria: CeGaT Center For Human Genetics Tuebingen Variant Classification Criteria Version 2. Collection method: clinical testing. Allele origin: germline. Affected: yes. Observed: 6 variant alleles.
Comment: KIF26A: BP4, BP7, BS2

NM_015656.2(KIF26A):c.5514G>A (p.Ala1838=)

Gene: KIF26A (kinesin family member 26A; plus strand). Cytogenetic location: 14q32.33.
Variant type: single nucleotide variant.
Coding change: c.5514G>A on transcript NM_015656.2 (MANE Select); coding-DNA position 5514, G replaced by A.
Protein change: p.Ala1838=; no amino-acid change (alanine 1838 retained).
Molecular consequence: synonymous variant.
Genome position (GRCh38, 1-based): chr14:104,179,655, G>A. VCF-style: chr14-104179655-G-A. GRCh37 (hg19) VCF-style: chr14-104645992-G-A.
Identifiers: ClinVar variation 2644613 (VCV002644613.24), dbSNP rs143169161, ClinGen allele CA7371643.
Genomic context (GRCh38, chr14:104,179,655, plus strand): 5'-CCTCCCCTCCCCAGTTGAGGTGGACCCGGAGCTGGAGCCCGAGTCGGCCGAGTACCTGGC[G>A]GCCCTGGAGCGAGCCACGGCGGCCCTGGAGCAGTGCGTGAACCTGTGCAAGGCGCACGTC-3'
Protein context (NP_056471.1, residues 1828-1848): ELEPESAEYL[Ala1838=]ALERATAALE